The following is an entry in ClinVar:

NM_015122.3(FCHO1):c.1268A>G (p.Glu423Gly)

Gene: FCHO1 (FCH and mu domain containing endocytic adaptor 1; plus strand). Cytogenetic location: 19p13.11.
Variant type: single nucleotide variant.
Coding change: c.1268A>G on transcript NM_015122.3 (MANE Select); coding-DNA position 1268, A replaced by G.
Protein change: p.Glu423Gly; replaces glutamic acid 423 with glycine.
Molecular consequence: missense variant. On other transcripts: non-coding transcript variant (24), intron variant (1).
Genome position (GRCh38, 1-based): chr19:17,778,145, A>G. VCF-style: chr19-17778145-A-G. GRCh37 (hg19) VCF-style: chr19-17888954-A-G.
Other names: c.1057+1874A>G (NM_001384407.1); c.1268A>G (NM_001161357.1); c.1268A>G, p.Glu423Gly (NM_001161357.2, NM_001161358.2, NM_001384370.1 and 25 more transcripts); c.1118A>G, p.Glu373Gly (NM_001161359.2, NM_001384384.1, NM_001384385.1 and 2 more transcripts); c.1229A>G, p.Glu410Gly (NM_001384388.1, NM_001384389.1, NM_001384405.1); c.1193A>G, p.Glu398Gly (NM_001384390.1); c.1223A>G, p.Glu408Gly (NM_001384403.1); short protein forms E373G, E398G, E408G, E410G, E423G.
Identifiers: ClinVar variation 1090062 (VCV001090062.40), dbSNP rs146717245, ClinGen allele CA9300473.

ClinVar aggregate classification (germline): Likely benign. Review status: criteria provided, multiple submitters, no conflicts (2 of 4 stars). 6 submissions from 6 submitters: Likely benign (5). 1 of the submissions does not count toward it. Last evaluated 2026-02-01.

Conditions:
FCHO1-related disorder. Also called: FCHO1-related condition.

Allele frequency attached by ClinVar (database versions not stated): 1000 Genomes Project 0.00060; 1000 Genomes Project 30x 0.00062; gnomAD 0.00216 and 0.00228; gnomAD exomes 0.00224 and 0.00380; TOPMed 0.00231; ExAC 0.00251; ESP Exome Variant Server 0.00331.
gnomAD v4.1: 5,752 of 1,613,524 alleles (0.36%); highest among the groups gnomAD compares: Non-Finnish European, 0.46%; 20 homozygotes.

Submissions (6):

Labcorp Genetics (formerly Invitae), Labcorp
Classification: Likely benign. Last evaluated: 2026-02-01. Review status: criteria provided, single submitter. Criteria: Invitae Variant Classification Sherloc (09022015). Collection method: clinical testing. Allele origin: germline.

Women's Health and Genetics/Laboratory Corporation of America, LabCorp
Classification: Likely benign. Last evaluated: 2026-01-23. Review status: criteria provided, single submitter. Criteria: LabCorp Variant Classification Summary - May 2015. Collection method: clinical testing. Allele origin: germline.

CeGaT Center for Human Genetics Tuebingen
Classification: Likely benign. Last evaluated: 2025-03-01. Review status: criteria provided, single submitter. Criteria: CeGaT Center For Human Genetics Tuebingen Variant Classification Criteria Version 2. Collection method: clinical testing. Allele origin: germline. Affected: yes. Observed: 3 variant alleles.
Comment: FCHO1: BP4, BS2

Blueprint Genetics
Classification: Likely benign. Last evaluated: 2024-11-27. Review status: criteria provided, single submitter. Criteria: ACMG Guidelines, 2015. Collection method: clinical testing. Allele origin: germline.

Breakthrough Genomics
Classification: Likely benign. Review status: criteria provided, single submitter. Criteria: ACMG Guidelines, 2015. Collection method: not provided. Allele origin: germline. Inheritance: Autosomal recessive inheritance. Affected: yes.

PreventionGenetics, part of Exact Sciences
Classification: Likely benign for FCHO1-related condition. Last evaluated: 2023-05-11. Review status: no assertion criteria provided. Collection method: clinical testing. Allele origin: germline. Not counted in ClinVar's aggregate classification.
Comment: This variant is classified as likely benign based on ACMG/AMP sequence variant interpretation guidelines (Richards et al. 2015 PMID: 25741868, with internal and published modifications).